The following is an entry in ClinVar:

ClinVar aggregate classification (germline): Conflicting classifications of pathogenicity. Review status: criteria provided, conflicting classifications (1 of 4 stars). 3 submissions from 3 submitters: Likely pathogenic (1); Uncertain significance (2). Last evaluated 2024-06-19.

Conditions:
Arterial calcification, generalized, of infancy, 2. Identifiers: Orphanet 51608, MedGen C3276161, MONDO:0013768, OMIM 614473.
Autosomal recessive inherited pseudoxanthoma elasticum (PXE). Identifiers: Orphanet 758, MedGen CN032334, MONDO:0009925, OMIM 264800.
Pseudoxanthoma elasticum, forme fruste. Also called: Pseudoxanthoma Elasticum, Incomplete; PSEUDOXANTHOMA ELASTICUM, HETEROZYGOUS. Identifiers: Orphanet 758, MedGen C1867450, MONDO:0008333, OMIM 177850.

Allele frequency attached by ClinVar (database versions not stated): ExAC 0.00001; gnomAD 0.00001; gnomAD exomes 0.00001; ESP Exome Variant Server 0.00015.
gnomAD v4.1: 49 of 1,613,456 alleles (0.003%); highest among the groups gnomAD compares: Non-Finnish European, 0.0037%; no homozygotes.

Submissions (3):

Fulgent Genetics
Classification: Likely pathogenic for Pseudoxanthoma elasticum, forme fruste; Autosomal recessive inherited pseudoxanthoma elasticum; Arterial calcification, generalized, of infancy, 2. Last evaluated: 2024-06-19. Review status: criteria provided, single submitter. Criteria: ACMG Guidelines, 2015. Collection method: clinical testing. Allele origin: germline.

Blueprint Genetics
Classification: Uncertain significance. Last evaluated: 2023-03-02. Review status: criteria provided, single submitter. Criteria: ACMG Guidelines, 2015. Collection method: clinical testing. Allele origin: germline.

Labcorp Genetics (formerly Invitae), Labcorp
Classification: Uncertain significance. Last evaluated: 2022-07-30. Review status: criteria provided, single submitter. Criteria: Invitae Variant Classification Sherloc (09022015). Collection method: clinical testing. Allele origin: germline.
Comment: This sequence change replaces glutamine, which is neutral and polar, with histidine, which is basic and polar, at codon 1406 of the ABCC6 protein (p.Gln1406His). This variant is present in population databases (rs149510465, gnomAD 0.003%). This missense change has been observed in individual(s) with clinical features of pseudoxanthoma elasticum (Invitae). ClinVar contains an entry for this variant (Variation ID: 1386206). Advanced modeling of protein sequence and biophysical properties (such as structural, functional, and spatial information, amino acid conservation, physicochemical variation, residue mobility, and thermodynamic stability) performed at Invitae indicates that this missense variant is expected to disrupt ABCC6 protein function. This variant disrupts the p.Gln1406 amino acid residue in ABCC6. Other variant(s) that disrupt this residue have been observed in individuals with ABCC6-related conditions (PMID: 20034067), which suggests that this may be a clinically significant amino acid residue. In summary, the available evidence is currently insufficient to determine the role of this variant in disease. Therefore, it has been classified as a Variant of Uncertain Significance.

Literature cited by the submitters: PubMed 20034067 (cited by Labcorp Genetics (formerly Invitae), Labcorp).

NM_001171.6(ABCC6):c.4218G>C (p.Gln1406His)

Gene: ABCC6 (ATP binding cassette subfamily C member 6; minus strand). Cytogenetic location: 16p13.11.
Variant type: single nucleotide variant.
Coding change: c.4218G>C on transcript NM_001171.6 (MANE Select); coding-DNA position 4218, G replaced by C.
Protein change: p.Gln1406His; replaces glutamine 1406 with histidine.
Molecular consequence: missense variant. On other transcripts: non-coding transcript variant (1).
Genome position (GRCh38, 1-based): chr16:16,150,763, C>G on the plus strand (G>C on the coding strand, the complement: ABCC6 is on the minus strand). VCF-style: chr16-16150763-C-G. GRCh37 (hg19) VCF-style: chr16-16244620-C-G.
Other names: c.3876G>C, p.Gln1292His (NM_001351800.1); short protein forms Q1406H, Q1292H.
Identifiers: ClinVar variation 1386206 (VCV001386206.5), dbSNP rs149510465, ClinGen allele CA7925252.